The following is an entry in ClinVar:

NM_002470.4(MYH3):c.66G>T (p.Lys22Asn)

Gene: MYH3 (myosin heavy chain 3; minus strand). Cytogenetic location: 17p13.1.
Variant type: single nucleotide variant.
Coding change: c.66G>T on transcript NM_002470.4 (MANE Select); coding-DNA position 66, G replaced by T.
Protein change: p.Lys22Asn; replaces lysine 22 with asparagine.
Molecular consequence: missense variant.
Genome position (GRCh38, 1-based): chr17:10,654,999, C>A on the plus strand (G>T on the coding strand, the complement: MYH3 is on the minus strand). VCF-style: chr17-10654999-C-A. GRCh37 (hg19) VCF-style: chr17-10558316-C-A.
Other names: short protein forms K22N.
Identifiers: ClinVar variation 1963836 (VCV001963836.5), dbSNP rs1567564110, ClinGen allele CA398119232.

ClinVar aggregate classification (germline): Uncertain significance (1 of 4 stars; one submission).

gnomAD v4.1: 2 of 1,614,210 alleles (0.00012%); highest among the groups gnomAD compares: Non-Finnish European, 0.00017%; no homozygotes.

Submission:

Labcorp Genetics (formerly Invitae), Labcorp
Classification: Uncertain significance. Last evaluated: 2022-07-04. Review status: criteria provided, single submitter. Criteria: Invitae Variant Classification Sherloc (09022015). Collection method: clinical testing. Allele origin: germline.
Comment: This sequence change replaces lysine, which is basic and polar, with asparagine, which is neutral and polar, at codon 22 of the MYH3 protein (p.Lys22Asn). This variant is not present in population databases (gnomAD no frequency). This variant has not been reported in the literature in individuals affected with MYH3-related conditions. Algorithms developed to predict the effect of missense changes on protein structure and function are either unavailable or do not agree on the potential impact of this missense change (SIFT: "Deleterious"; PolyPhen-2: "Benign"; Align-GVGD: "Class C65"). In summary, the available evidence is currently insufficient to determine the role of this variant in disease. Therefore, it has been classified as a Variant of Uncertain Significance.